The following is an entry in ClinVar:

NM_000553.6(WRN):c.3892_3893dup (p.Cys1299fs)

Gene: WRN (WRN RecQ like helicase; plus strand). Cytogenetic location: 8p12.
Variant type: Duplication.
Coding change: c.3892_3893dup on transcript NM_000553.6 (MANE Select); coding-DNA positions 3892 to 3893, 2 bases duplicated (GG; older notation c.3892_3893dupGG).
Protein change: p.Cys1299fs; shifts the reading frame from cysteine 1299.
Molecular consequence: frameshift variant.
Genome position (GRCh38, 1-based): chr8:31,157,440-31,157,441, GG duplicated. VCF-style (leftmost placement, unchanged base first): chr8-31157439-T-TGG. GRCh37 (hg19) VCF-style: chr8-31014955-T-TGG.
Other names: short protein forms C1299fs.
Identifiers: ClinVar variation 3775671 (VCV003775671.1).

ClinVar aggregate classification (germline): Likely pathogenic (1 of 4 stars; one submission).

Conditions:
Werner syndrome (WRN). Identifiers: Orphanet 902, MedGen C0043119, MONDO:0010196, OMIM 277700.

Submission:

3billion
Classification: Likely pathogenic for Werner syndrome. Last evaluated: 2024-01-12. Review status: criteria provided, single submitter. Criteria: ACMG Guidelines, 2015. Collection method: clinical testing. Allele origin: germline. Affected: yes.
Comment: The variant is not observed in the gnomAD v2.1.1 dataset. Predicted Consequence/Location: Frameshift: predicted to result in a loss or disruption of normal protein function through nonsense-mediated decay (NMD) or protein truncation. Multiple pathogenic variants are reported downstream of the variant. Therefore, this variant is classified as Likely pathogenic according to the recommendation of ACMG/AMP guideline.